The following is an entry in ClinVar:

NM_001005242.3(PKP2):c.2482A>G (p.Thr828Ala)

Gene: PKP2 (plakophilin 2; minus strand). Cytogenetic location: 12p11.21.
Variant type: single nucleotide variant.
Coding change: c.2482A>G on transcript NM_001005242.3 (MANE Select); coding-DNA position 2482, A replaced by G.
Protein change: p.Thr828Ala; replaces threonine 828 with alanine.
Molecular consequence: missense variant. On other transcripts: synonymous variant (2).
Genome position (GRCh38, 1-based): chr12:32,792,456, T>C on the plus strand (A>G on the coding strand, the complement: PKP2 is on the minus strand). VCF-style: chr12-32792456-T-C. GRCh37 (hg19) VCF-style: chr12-32945390-T-C.
Other names: c.2292A>G, p.Gly764= (NM_001407155.1); c.2317A>G, p.Thr773Ala (NM_001407156.1); c.2155A>G, p.Thr719Ala (NM_001407158.1, NM_001407159.1); c.1965A>G, p.Gly655= (NM_001407160.1); c.2614A>G, p.Thr872Ala (NM_004572.4); short protein forms T719A, T773A, T828A, T872A.
Identifiers: ClinVar variation 4757101 (VCV004757101.1).

ClinVar aggregate classification (germline): Uncertain significance (1 of 4 stars; one submission).

Conditions:
Cardiomyopathy (CMYO). Also called: Cardiomyopathies. Identifiers: Orphanet 167848, MedGen C0878544, MONDO:0004994, HP:0001638. Inheritance: Various modes of inheritance.

Submission:

Color Diagnostics, LLC DBA Color Health
Classification: Uncertain significance for Cardiomyopathy. Last evaluated: 2025-06-23. Review status: criteria provided, single submitter. Criteria: ACMG Guidelines, 2015. Collection method: clinical testing. Allele origin: germline.
Comment: This missense variant replaces threonine with alanine at codon 872 of the PKP2 protein. Computational prediction suggests that this variant may not impact protein structure and function. To our knowledge, functional studies have not been reported for this variant. This variant has not been reported in individuals affected with PKP2-related disorders in the literature. This variant has not been identified in the general population by the Genome Aggregation Database (gnomAD). The available evidence is insufficient to determine the role of this variant in disease conclusively. Therefore, this variant is classified as a Variant of Uncertain Significance.